The following is an entry in ClinVar:

ClinVar aggregate classification (germline): Uncertain significance. Review status: criteria provided, multiple submitters, no conflicts (2 of 4 stars). 2 submissions from 2 submitters: Uncertain significance (2). Last evaluated 2025-10-07.

Allele frequency attached by ClinVar (database versions not stated): gnomAD 0.00001; TOPMed 0.00001.
gnomAD v4.1: 9 of 1,613,712 alleles (0.00056%); highest among the groups gnomAD compares: Non-Finnish European, 0.00076%; no homozygotes.

Submissions (2):

Labcorp Genetics (formerly Invitae), Labcorp
Classification: Uncertain significance. Last evaluated: 2025-10-07. Review status: criteria provided, single submitter. Criteria: Invitae Variant Classification Sherloc (09022015). Collection method: clinical testing. Allele origin: germline.
Comment: This sequence change replaces aspartic acid, which is acidic and polar, with tyrosine, which is neutral and polar, at codon 81 of the SLC51B protein (p.Asp81Tyr). This variant is present in population databases (no rsID available, gnomAD 0.002%). This variant has not been reported in the literature in individuals affected with SLC51B-related conditions. ClinVar contains an entry for this variant (Variation ID: 3165172). An algorithm developed to predict the effect of missense changes on protein structure and function (PolyPhen-2) suggests that this variant is likely to be tolerated. Algorithms developed to predict the effect of sequence changes on RNA splicing suggest that this variant may disrupt the consensus splice site. In summary, the available evidence is currently insufficient to determine the role of this variant in disease. Therefore, it has been classified as a Variant of Uncertain Significance.

Ambry Genetics
Classification: Uncertain significance. Last evaluated: 2023-09-26. Review status: criteria provided, single submitter. Criteria: Ambry Variant Classification Scheme 2023. Collection method: clinical testing. Allele origin: germline.

NM_178859.4(SLC51B):c.241G>T (p.Asp81Tyr)

Genes: RASL12 (RAS like family 12; minus strand), SLC51B (SLC51 subunit beta; plus strand). Cytogenetic location: 15q22.31.
Variant type: single nucleotide variant.
Coding change: c.241G>T on transcript NM_178859.4 (MANE Select); coding-DNA position 241, G replaced by T.
Protein change: p.Asp81Tyr; replaces aspartic acid 81 with tyrosine.
Molecular consequence: missense variant.
Genome position (GRCh38, 1-based): chr15:65,053,018, G>T. VCF-style: chr15-65053018-G-T. GRCh37 (hg19) VCF-style: chr15-65345356-G-T.
Other names: short protein forms D81Y.
Identifiers: ClinVar variation 3165172 (VCV003165172.2), dbSNP rs763251825, ClinGen allele CA392842505.